The following is an entry in ClinVar:

ClinVar aggregate classification (germline): Uncertain significance (1 of 4 stars; one submission).

Submission:

GeneDx
Classification: Uncertain significance. Last evaluated: 2024-04-10. Review status: criteria provided, single submitter. Criteria: GeneDx Variant Classification Process June 2021. Collection method: clinical testing. Allele origin: germline. Affected: yes.
Comment: Has not been previously published as pathogenic or benign to our knowledge; Not observed at significant frequency in large population cohorts (gnomAD); In silico analysis supports that this missense variant has a deleterious effect on protein structure/function

NM_017636.4(TRPM4):c.3110A>G (p.Asn1037Ser)

Gene: TRPM4 (transient receptor potential cation channel subfamily M member 4; plus strand). Cytogenetic location: 19q13.33.
Variant type: single nucleotide variant.
Coding change: c.3110A>G on transcript NM_017636.4 (MANE Select); coding-DNA position 3110, A replaced by G.
Protein change: p.Asn1037Ser; replaces asparagine 1037 with serine.
Molecular consequence: missense variant.
Genome position (GRCh38, 1-based): chr19:49,202,120, A>G. VCF-style: chr19-49202120-A-G. GRCh37 (hg19) VCF-style: chr19-49705377-A-G.
Other names: c.2675A>G, p.Asn892Ser (NM_001195227.2); c.2765A>G, p.Asn922Ser (NM_001321281.2); c.1502A>G, p.Asn501Ser (NM_001321282.2); c.2588A>G, p.Asn863Ser (NM_001321283.2); c.2048A>G, p.Asn683Ser (NM_001321285.2); short protein forms N1037S, N501S, N683S, N863S, N892S, N922S.
Identifiers: ClinVar variation 3372288 (VCV003372288.1).
Genomic context (GRCh38, chr19:49,202,120, plus strand): 5'-ACTGGCTGGTGGTGCTGCTCCTCGTCATCTTCCTGCTCGTGGCCAACATCCTGCTGGTCA[A>G]CTTGCTCATTGCCATGTTCAGGTGAGGCCTGACTGCTCTCTGATCTGACCCCACCCAGCA-3'
Protein context (NP_060106.2, residues 1027-1047): FLLVANILLV[Asn1037Ser]LLIAMFSYTF